The following is an entry in ClinVar:

ClinVar aggregate classification (germline): Pathogenic. Review status: reviewed by expert panel (3 of 4 stars). 7 submissions from 7 submitters: Pathogenic (1). 6 of the submissions do not count toward it. Last evaluated 2016-10-18.

Conditions:
Hereditary cancer-predisposing syndrome. Also called: Tumor predisposition; Hereditary Cancer Syndrome; Hereditary neoplastic syndrome; Neoplastic Syndromes, Hereditary. Identifiers: Orphanet 140162, MedGen C0027672, MeSH D009386, MONDO:0015356.
Hereditary breast ovarian cancer syndrome. Also called: Hereditary breast and ovarian cancer; Breast and ovarian cancer; BRCA1- and BRCA2-Associated Hereditary Breast and Ovarian Cancer; Hereditary breast and ovarian cancer syndrome; Hereditary breast and ovarian cancer syndrome (HBOC); Hereditary breast and/or ovarian cancer syndrome. Identifiers: Orphanet 145, MedGen C0677776, MeSH D061325, MONDO:0003582. Disease mechanism: loss of function.
Breast-ovarian cancer, familial, susceptibility to, 2 (BROVCA2). Also called: BRCA2 Hereditary Breast and Ovarian Cancer. Identifiers: Orphanet 145, MedGen C2675520, MONDO:0012933, OMIM 612555. Disease mechanism: loss of function.

Submissions (7):

Evidence-based Network for the Interpretation of Germline Mutant Alleles (ENIGMA)
Classification: Pathogenic for Breast-ovarian cancer, familial, susceptibility to, 2. Last evaluated: 2016-10-18. Review status: reviewed by expert panel. Criteria: ENIGMA BRCA1/2 Classification Criteria (2015). Collection method: curation. Allele origin: germline.
Comment: Variant allele predicted to encode a truncated non-functional protein.

Ambry Genetics
Classification: Pathogenic for Hereditary cancer-predisposing syndrome. Last evaluated: 2025-05-20. Review status: criteria provided, single submitter. Criteria: Ambry Variant Classification Scheme 2023. Collection method: clinical testing. Allele origin: germline. Not counted in ClinVar's aggregate classification.
Comment: The c.3481_3482dupGA pathogenic mutation, located in coding exon 10 of the BRCA2 gene, results from a duplication of GA at nucleotide position 3481, causing a translational frameshift with a predicted alternate stop codon (p.D1161Efs*8). This alteration is expected to result in loss of function by premature protein truncation or nonsense-mediated mRNA decay. As such, this alteration is interpreted as a disease-causing mutation.

Labcorp Genetics (formerly Invitae), Labcorp
Classification: Pathogenic for Hereditary breast ovarian cancer syndrome. Last evaluated: 2025-02-17. Review status: criteria provided, single submitter. Criteria: Invitae Variant Classification Sherloc (09022015). Collection method: clinical testing. Allele origin: germline. Not counted in ClinVar's aggregate classification.
Comment: This sequence change creates a premature translational stop signal (p.Asp1161Glufs*8) in the BRCA2 gene. It is expected to result in an absent or disrupted protein product. Loss-of-function variants in BRCA2 are known to be pathogenic (PMID: 20104584). This variant is present in population databases (no rsID available, gnomAD 0.003%). This variant has not been reported in the literature in individuals affected with BRCA2-related conditions. For these reasons, this variant has been classified as Pathogenic.

Quest Diagnostics Nichols Institute San Juan Capistrano
Classification: Likely pathogenic. Last evaluated: 2024-12-17. Review status: criteria provided, single submitter. Criteria: Quest Diagnostics criteria. Collection method: clinical testing. Allele origin: unknown. Not counted in ClinVar's aggregate classification.
Comment: The BRCA2 c.3481_3482dup (p.Asp1161Glufs*8) variant alters the translational reading frame of the BRCA2 mRNA and is predicted to cause the premature termination of BRCA2 protein synthesis. To the best of our knowledge, this variant has not been reported in individuals with BRCA2-related conditions in the published literature. The frequency of this variant in the general population (Genome Aggregation Database) is uninformative in the assessment of its pathogenicity. Based on the available information, this variant is classified as likely pathogenic.

Color Diagnostics, LLC DBA Color Health
Classification: Pathogenic for Hereditary cancer-predisposing syndrome. Last evaluated: 2020-06-03. Review status: criteria provided, single submitter. Criteria: ACMG Guidelines, 2015. Collection method: clinical testing. Allele origin: germline. Not counted in ClinVar's aggregate classification.
Comment: This variant inserts 2 nucleotides in exon 11 of the BRCA2 gene, creating a frameshift and premature translation stop signal. This variant is expected to result in an absent or non-functional protein product. To our knowledge, this variant has not been reported in individuals affected with hereditary cancer in the literature. This variant has been identified in 1/250866 chromosomes in the general population by the Genome Aggregation Database (gnomAD). Loss of BRCA2 function is a known mechanism of disease. Based on the available evidence, this variant is classified as Pathogenic.

Women's Health and Genetics/Laboratory Corporation of America, LabCorp
Classification: Likely pathogenic for Hereditary breast ovarian cancer syndrome. Last evaluated: 2017-03-21. Review status: criteria provided, single submitter. Criteria: LabCorp Variant Classification Summary - May 2015. Collection method: clinical testing. Allele origin: germline. Not counted in ClinVar's aggregate classification.
Comment: Variant summary: The c.3481_3482dupGA (p.Asp1161Glufs) variant in BRCA2 gene is a frameshift change that is predicted to cause loss of normal protein function through protein truncation or nonsense-mediated mRNA decay. The variant is absent from the large control population datasets of ExAC and gnomAD. The variant of interest has not, to our knowledge, been reported in affected individuals but is cited as pathogenic by multiple reputable databases/clinical laboratories and published reports. Taking together, the variant was classified as Likely Pathogenic.

Consortium of Investigators of Modifiers of BRCA1/2 (CIMBA), c/o University of Cambridge
Classification: Pathogenic for Breast-ovarian cancer, familial, susceptibility to, 2. Last evaluated: 2015-10-02. Review status: criteria provided, single submitter. Criteria: CIMBA Mutation Classification guidelines May 2016. Collection method: clinical testing. Allele origin: germline. Not counted in ClinVar's aggregate classification.

Literature cited by the submitters: PubMed 20104584 (cited by Labcorp Genetics (formerly Invitae), Labcorp); PubMed 29446198 (cited by Quest Diagnostics Nichols Institute San Juan Capistrano); PubMed 39126233 (cited by Quest Diagnostics Nichols Institute San Juan Capistrano).

NM_000059.4(BRCA2):c.3481_3482dup (p.Asp1161fs)

Gene: BRCA2 (BRCA2 DNA repair associated; plus strand). Cytogenetic location: 13q13.1.
Variant type: Microsatellite.
Coding change: c.3481_3482dup on transcript NM_000059.4 (MANE Select); coding-DNA positions 3481 to 3482, 2 bases duplicated (GA; older notation c.3481_3482dupGA).
Protein change: p.Asp1161fs; shifts the reading frame from aspartic acid 1161.
Molecular consequence: frameshift variant.
Genome position (GRCh38, 1-based): chr13:32,337,836-32,337,837, GA duplicated; duplicating any 2 consecutive bases within chr13:32,337,833-32,337,837 gives the same sequence; the c. name uses the placement nearest the transcript's 3' end. VCF-style (leftmost placement, unchanged base first): chr13-32337832-C-CAG. GRCh37 (hg19) VCF-style: chr13-32911969-C-CAG.
Other names: 3710insGA; c.3481_3482dupGA (NM_000059.3); short protein forms D1161fs.
Identifiers: ClinVar variation 236851 (VCV000236851.16), dbSNP rs878853569, ClinGen allele CA10583089.
Genomic context (GRCh38, chr13:32,337,832, plus strand): 5'-GAGTACATTTGAAGTGCCTGAAAACCAGATGACTATCTTAAAGACCACTTCTGAGGAATG[C>CAG]AGAGATGCTGATCTTCATGTCATAATGAATGCCCCATCGATTGGTCAGGTAGACAGCAGC-3'